The following is an entry in ClinVar:

NM_003105.6(SORL1):c.6211A>G (p.Thr2071Ala)

Gene: SORL1 (sortilin related receptor 1; plus strand). Cytogenetic location: 11q24.1.
Variant type: single nucleotide variant.
Coding change: c.6211A>G on transcript NM_003105.6 (MANE Select); coding-DNA position 6211, A replaced by G.
Protein change: p.Thr2071Ala; replaces threonine 2071 with alanine.
Molecular consequence: missense variant.
Genome position (GRCh38, 1-based): chr11:121,625,124, A>G. VCF-style: chr11-121625124-A-G. GRCh37 (hg19) VCF-style: chr11-121495833-A-G.
Other names: short protein forms T2071A.
Identifiers: ClinVar variation 1929754 (VCV001929754.5), dbSNP rs374388546, ClinGen allele CA6330216.

ClinVar aggregate classification (germline): Uncertain significance (1 of 4 stars; one submission).

Allele frequency attached by ClinVar (database versions not stated): gnomAD 0.00001; TOPMed 0.00001; ExAC 0.00002; gnomAD exomes 0.00002; ESP Exome Variant Server 0.00008.
gnomAD v4.1: 28 of 1,613,460 alleles (0.0017%); highest among the groups gnomAD compares: Non-Finnish European, 0.0024%; no homozygotes.

Submission:

Labcorp Genetics (formerly Invitae), Labcorp
Classification: Uncertain significance. Last evaluated: 2022-02-28. Review status: criteria provided, single submitter. Criteria: Invitae Variant Classification Sherloc (09022015). Collection method: clinical testing. Allele origin: germline.
Comment: In summary, the available evidence is currently insufficient to determine the role of this variant in disease. Therefore, it has been classified as a Variant of Uncertain Significance. Algorithms developed to predict the effect of missense changes on protein structure and function are either unavailable or do not agree on the potential impact of this missense change (SIFT: "Deleterious"; PolyPhen-2: "Benign"; Align-GVGD: "Class C0"). This variant has not been reported in the literature in individuals affected with SORL1-related conditions. This variant is present in population databases (rs374388546, gnomAD 0.0009%). This sequence change replaces threonine, which is neutral and polar, with alanine, which is neutral and non-polar, at codon 2071 of the SORL1 protein (p.Thr2071Ala).